The following is an entry in ClinVar:

ClinVar aggregate classification (germline): Uncertain significance (1 of 4 stars; one submission).

Submission:

Labcorp Genetics (formerly Invitae), Labcorp
Classification: Uncertain significance. Last evaluated: 2022-06-13. Review status: criteria provided, single submitter. Criteria: Invitae Variant Classification Sherloc (09022015). Collection method: clinical testing. Allele origin: germline.
Comment: In summary, the available evidence is currently insufficient to determine the role of this variant in disease. Therefore, it has been classified as a Variant of Uncertain Significance. Advanced modeling of protein sequence and biophysical properties (such as structural, functional, and spatial information, amino acid conservation, physicochemical variation, residue mobility, and thermodynamic stability) performed at Invitae indicates that this missense variant is expected to disrupt SI protein function. This variant has not been reported in the literature in individuals affected with SI-related conditions. This variant is not present in population databases (gnomAD no frequency). This sequence change replaces methionine, which is neutral and non-polar, with isoleucine, which is neutral and non-polar, at codon 566 of the SI protein (p.Met566Ile).

NM_001041.4(SI):c.1698G>A (p.Met566Ile)

Gene: SI (sucrase-isomaltase; minus strand). Cytogenetic location: 3q26.1.
Variant type: single nucleotide variant.
Coding change: c.1698G>A on transcript NM_001041.4 (MANE Select); coding-DNA position 1698, G replaced by A.
Protein change: p.Met566Ile; replaces methionine 566 with isoleucine.
Molecular consequence: missense variant.
Genome position (GRCh38, 1-based): chr3:165,049,144, C>T on the plus strand (G>A on the coding strand, the complement: SI is on the minus strand). VCF-style: chr3-165049144-C-T. GRCh37 (hg19) VCF-style: chr3-164766932-C-T.
Other names: short protein forms M566I.
Identifiers: ClinVar variation 1428520 (VCV001428520.6), dbSNP rs2108232085, ClinGen allele CA355052883.